The following is an entry in ClinVar:

NM_001040142.2(SCN2A):c.1672-16C>T

Gene: SCN2A (sodium voltage-gated channel alpha subunit 2; plus strand). Cytogenetic location: 2q24.3.
Variant type: single nucleotide variant.
Coding change: c.1672-16C>T on transcript NM_001040142.2 (MANE Select); 16 bases into the intron before coding-DNA position 1672, C replaced by T.
Molecular consequence: intron variant.
Genome position (GRCh38, 1-based): chr2:165,323,140, C>T. VCF-style: chr2-165323140-C-T. GRCh37 (hg19) VCF-style: chr2-166179650-C-T.
Other names: c.1672-16C>T (NM_001040143.2, NM_001371246.1, NM_001371247.1 and 1 more transcripts).
Identifiers: ClinVar variation 261400 (VCV000261400.21), dbSNP rs1867864, ClinGen allele CA1939861.

ClinVar aggregate classification (germline): Benign. Review status: criteria provided, multiple submitters, no conflicts (2 of 4 stars). 11 submissions from 9 submitters: Benign (9). 2 of the submissions do not count toward it. Last evaluated 2026-02-04.

Conditions:
Developmental and epileptic encephalopathy, 11 (DEE11). Also called: Early infantile epileptic encephalopathy 11. Identifiers: Orphanet 1934, MedGen C3150987, MONDO:0013388, OMIM 613721.
Episodic ataxia, type 9. Identifiers: MedGen C5394520, MONDO:0030064, OMIM 618924.
Seizures, benign familial infantile, 3 (BFIS3). Also called: Familial neonatal seizures; CONVULSIONS, BENIGN FAMILIAL INFANTILE, 3. Identifiers: Orphanet 140927, Orphanet 306, MedGen C1843140, MONDO:0011904, OMIM 607745.

Allele frequency attached by ClinVar (database versions not stated): 1000 Genomes Project 0.50280; 1000 Genomes Project 30x 0.50874; gnomAD exomes 0.51243 and 0.55794; ExAC 0.52050; gnomAD 0.55647 and 0.56164; TOPMed 0.56085; ESP Exome Variant Server 0.59625.
gnomAD v4.1: 897,806 of 1,609,910 alleles (56%); highest among the groups gnomAD compares: African/African-American, 61%; 254,998 homozygotes.

Submissions (11):

Labcorp Genetics (formerly Invitae), Labcorp
Classification: Benign for Seizures, benign familial infantile, 3; Developmental and epileptic encephalopathy, 11. Last evaluated: 2026-02-04. Review status: criteria provided, single submitter. Criteria: Invitae Variant Classification Sherloc (09022015). Collection method: clinical testing. Allele origin: germline.

Blueprint Genetics
Classification: Benign. Last evaluated: 2024-11-26. Review status: criteria provided, single submitter. Criteria: ACMG Guidelines, 2015. Collection method: clinical testing. Allele origin: germline.

Unidad de Genómica Garrahan, Hospital de Pediatría Garrahan
Classification: Benign. Last evaluated: 2024-07-15. Review status: criteria provided, single submitter. Criteria: ACMG Guidelines, 2015. Collection method: clinical testing. Allele origin: germline. Affected: no. Observed: 66 variant alleles.
Comment: This variant is classified as Benign based on local population frequency. This variant was detected in 71% of patients studied in a panel designed for Epileptic and Developmental Encephalopathy and Progressive Myoclonus Epilepsy. Number of patients: 66. Only high quality variants are reported.

Genome-Nilou Lab
Classification: Benign for Developmental and epileptic encephalopathy, 11. Last evaluated: 2021-07-15. Review status: criteria provided, single submitter. Criteria: ACMG Guidelines, 2015. Collection method: clinical testing. Allele origin: germline. Affected: no.

Genome-Nilou Lab
Classification: Benign for Episodic ataxia, type 9. Last evaluated: 2021-07-15. Review status: criteria provided, single submitter. Criteria: ACMG Guidelines, 2015. Collection method: clinical testing. Allele origin: germline. Affected: no.

Genome-Nilou Lab
Classification: Benign for Seizures, benign familial infantile, 3. Last evaluated: 2021-07-15. Review status: criteria provided, single submitter. Criteria: ACMG Guidelines, 2015. Collection method: clinical testing. Allele origin: germline. Affected: no.

GeneDx
Classification: Benign. Last evaluated: 2015-03-03. Review status: criteria provided, single submitter. Criteria: GeneDx Variant Classification Process June 2021. Collection method: clinical testing. Allele origin: germline. Affected: yes.

Breakthrough Genomics
Classification: Benign. Review status: criteria provided, single submitter. Criteria: ACMG Guidelines, 2015. Collection method: not provided. Allele origin: germline. Inheritance: Autosomal dominant inheritance. Affected: yes.

PreventionGenetics, part of Exact Sciences
Classification: Benign. Review status: criteria provided, single submitter. Criteria: ACMG Guidelines, 2015. Collection method: clinical testing. Allele origin: germline.

Diagnostic Laboratory, Department of Genetics, University Medical Center Groningen
Classification: Benign. Review status: no assertion criteria provided. Collection method: clinical testing. Allele origin: germline. Affected: yes. Study: VKGL Data-share Consensus. Not counted in ClinVar's aggregate classification.

Genome Diagnostics Laboratory, University Medical Center Utrecht
Classification: Benign. Review status: no assertion criteria provided. Collection method: clinical testing. Allele origin: germline. Affected: yes. Study: VKGL Data-share Consensus. Not counted in ClinVar's aggregate classification.